The following is an entry in ClinVar:

ClinVar aggregate classification (germline): Benign (1 of 4 stars; one submission).

Allele frequency attached by ClinVar (database versions not stated): 1000 Genomes Project 0.00080; 1000 Genomes Project 30x 0.00125; TOPMed 0.00308; gnomAD 0.00319; ExAC 0.00389; ESP Exome Variant Server 0.00415; gnomAD exomes 0.00513.
gnomAD v4.1: 7,857 of 1,590,640 alleles (0.49%); highest among the groups gnomAD compares: Non-Finnish European, 0.58%; 32 homozygotes.

Submission:

CeGaT Center for Human Genetics Tuebingen
Classification: Benign. Last evaluated: 2026-09-01. Review status: criteria provided, single submitter. Criteria: CeGaT Center For Human Genetics Tuebingen Variant Classification Criteria Version 2. Collection method: clinical testing. Allele origin: germline. Affected: yes. Observed: 10 variant alleles.
Comment: NCKAP1: BP4, BP7, BS1, BS2

NM_013436.5(NCKAP1):c.2739T>C (p.Ile913=)

Gene: NCKAP1 (NCK associated protein 1; minus strand). Cytogenetic location: 2q32.1.
Variant type: single nucleotide variant.
Coding change: c.2739T>C on transcript NM_013436.5 (MANE Select); coding-DNA position 2739, T replaced by C.
Protein change: p.Ile913=; no amino-acid change (isoleucine 913 retained).
Molecular consequence: synonymous variant.
Genome position (GRCh38, 1-based): chr2:182,935,332, A>G on the plus strand (T>C on the coding strand, the complement: NCKAP1 is on the minus strand). VCF-style: chr2-182935332-A-G. GRCh37 (hg19) VCF-style: chr2-183800060-A-G.
Other names: c.2757T>C, p.Ile919= (NM_205842.3).
Identifiers: ClinVar variation 2651738 (VCV002651738.24), dbSNP rs144374101, ClinGen allele CA2014283.